The following is an entry in ClinVar:

ClinVar aggregate classification (germline): Conflicting classifications of pathogenicity. Review status: criteria provided, conflicting classifications (1 of 4 stars). 3 submissions from 3 submitters: Likely pathogenic (1); Uncertain significance (1). 1 of the submissions does not count toward it. Last evaluated 2022-12-16.

Conditions:
APP-related disorder. Also called: APP-related condition.

Allele frequency attached by ClinVar (database versions not stated): gnomAD exomes below 0.00001.
gnomAD v4.1: 3 of 1,614,080 alleles (0.00019%); highest among the groups gnomAD compares: Non-Finnish European, 0.00017%; no homozygotes.

Submissions (3):

PreventionGenetics, part of Exact Sciences
Classification: Uncertain significance for APP-related condition. Last evaluated: 2022-12-16. Review status: criteria provided, single submitter. Criteria: ACMG Guidelines, 2015. Collection method: clinical testing. Allele origin: germline.
Comment: The APP c.2030A>G variant is predicted to result in the amino acid substitution p.His677Arg. In the literature, this variant is also referred to as His6Arg, H6R, or the English Familial Disease Mutation. This variant was reported in a family with two siblings affected with early onset familial Alzheimer’s disease, however the APP variant was only present in one of the siblings (Family 209, Janssen et al. 2003. PubMed ID: 12552037). Functional studies have shown that this variant impacts amyloid β-protein assembly (Hori et al. 2006. PubMed ID: 17170111; Ono et al. 2010. PubMed ID: 20452980; Viet et al. 2014. PubMed ID: 24949887). Additional studies suggest that this variant does not alter protein function (Lin et al. 2014. PubMed ID: 25053581). This variant is reported in 0.00088% of alleles in individuals of European (Non-Finnish) descent in gnomAD and is reported as likely pathogenic in ClinVar. However, at this time, the clinical significance of this variant is uncertain due to the absence of conclusive functional and genetic evidence.

AiLife Diagnostics
Classification: Likely pathogenic. Last evaluated: 2020-11-03. Review status: criteria provided, single submitter. Criteria: ACMG Guidelines, 2015. Collection method: clinical testing. Allele origin: germline. Affected: yes. Observed: 1 variant allele.

VIB  Department of Molecular Genetics, University of Antwerp
No classification provided. Review status: no classification provided. Collection method: not provided. Allele origin: not provided. Not counted in ClinVar's aggregate classification.

Literature cited by the submitters: PubMed 12552037 (cited by AiLife Diagnostics); PubMed 17170111 (cited by AiLife Diagnostics); PubMed 20452980 (cited by AiLife Diagnostics); PubMed 21980910 (cited by AiLife Diagnostics); PubMed 24949887 (cited by AiLife Diagnostics); PubMed 25053581 (cited by AiLife Diagnostics); PubMed 25137638 (cited by AiLife Diagnostics); PubMed 25703165 (cited by AiLife Diagnostics); PubMed 26402770 (cited by AiLife Diagnostics).

NM_000484.4(APP):c.2030A>G (p.His677Arg)

Gene: APP (amyloid beta precursor protein; minus strand). Cytogenetic location: 21q21.3.
Variant type: single nucleotide variant.
Coding change: c.2030A>G on transcript NM_000484.4 (MANE Select); coding-DNA position 2030, A replaced by G.
Protein change: p.His677Arg; replaces histidine 677 with arginine.
Molecular consequence: missense variant.
Genome position (GRCh38, 1-based): chr21:25,897,607, T>C on the plus strand (A>G on the coding strand, the complement: APP is on the minus strand). VCF-style: chr21-25897607-T-C. GRCh37 (hg19) VCF-style: chr21-27269919-T-C.
Other names: c.1958A>G, p.His653Arg (NM_001136016.3); c.1637A>G, p.His546Arg (NM_001136129.3); c.1862A>G, p.His621Arg (NM_001136130.3, NM_001385253.1); c.1700A>G, p.His567Arg (NM_001136131.3); c.1976A>G, p.His659Arg (NM_001204301.2); c.1919A>G, p.His640Arg (NM_001204302.2); c.1751A>G, p.His584Arg (NM_001204303.2); c.1973A>G, p.His658Arg (NM_201413.3); and 2 more; short protein forms H677R, H546R, H567R, H658R, H602R, H621R, H659R, H584R.
Identifiers: ClinVar variation 98235 (VCV000098235.3), dbSNP rs63749953, ClinGen allele CA225502.